The following is an entry in ClinVar:

ClinVar aggregate classification (germline): Conflicting classifications of pathogenicity. Review status: criteria provided, conflicting classifications (1 of 4 stars). 2 submissions from 2 submitters: Uncertain significance (1); Benign (1). Last evaluated 2024-10-23.

Conditions:
Primary ciliary dyskinesia. Also called: Ciliary dyskinesia. Identifiers: Orphanet 244, MedGen C0008780, MONDO:0016575, HP:0012265.

Allele frequency attached by ClinVar (database versions not stated): gnomAD 0.00001; gnomAD exomes 0.00001.
gnomAD v4.1: 4 of 1,608,694 alleles (0.00025%); highest among the groups gnomAD compares: Admixed American, 0.0068%; no homozygotes.

Submissions (2):

Labcorp Genetics (formerly Invitae), Labcorp
Classification: Benign for Primary ciliary dyskinesia. Last evaluated: 2024-10-23. Review status: criteria provided, single submitter. Criteria: Invitae Variant Classification Sherloc (09022015). Collection method: clinical testing. Allele origin: germline.

CeGaT Center for Human Genetics Tuebingen
Classification: Uncertain significance. Last evaluated: 2023-07-01. Review status: criteria provided, single submitter. Criteria: CeGaT Center For Human Genetics Tuebingen Variant Classification Criteria Version 2. Collection method: clinical testing. Allele origin: germline. Affected: yes. Observed: 1 variant allele.
Comment: DNAH11: PM2, BP4

NM_001277115.2(DNAH11):c.10352A>G (p.Glu3451Gly)

Gene: DNAH11 (dynein axonemal heavy chain 11; plus strand). Cytogenetic location: 7p15.3.
Variant type: single nucleotide variant.
Coding change: c.10352A>G on transcript NM_001277115.2 (MANE Select); coding-DNA position 10352, A replaced by G.
Protein change: p.Glu3451Gly; replaces glutamic acid 3451 with glycine.
Molecular consequence: missense variant.
Genome position (GRCh38, 1-based): chr7:21,816,486, A>G. VCF-style: chr7-21816486-A-G. GRCh37 (hg19) VCF-style: chr7-21856104-A-G.
Other names: c.10373A>G, p.Glu3458Gly (NM_003777.3); short protein forms E3451G, E3458G.
Identifiers: ClinVar variation 1983128 (VCV001983128.28), dbSNP rs1250266065, ClinGen allele CA366948030.